The following is an entry in ClinVar:

NM_001664.4(RHOA):c.414G>A (p.Pro138=)

Gene: RHOA (ras homolog family member A; minus strand). Cytogenetic location: 3p21.31.
Variant type: single nucleotide variant.
Coding change: c.414G>A on transcript NM_001664.4 (MANE Select); coding-DNA position 414, G replaced by A.
Protein change: p.Pro138=; no amino-acid change (proline 138 retained).
Molecular consequence: synonymous variant. On other transcripts: 3 prime UTR variant (1), missense variant (1).
Genome position (GRCh38, 1-based): chr3:49,360,377, C>T on the plus strand (G>A on the coding strand, the complement: RHOA is on the minus strand). VCF-style: chr3-49360377-C-T. GRCh37 (hg19) VCF-style: chr3-49397810-C-T.
Other names: NC_000003.11:g.49397810C>T; c.*20G>A (NM_001313947.2); c.414G>A, p.Pro138= (NM_001313941.2); c.553G>A, p.Gly185Ser (NM_001313943.2); c.354G>A, p.Pro118= (NM_001313944.2); c.171G>A, p.Pro57= (NM_001313945.2); c.162G>A, p.Pro54= (NM_001313946.2); short protein forms G185S.
Identifiers: ClinVar variation 3031885 (VCV003031885.3), dbSNP rs765701865, ClinGen allele CA2397790.

ClinVar aggregate classification (germline): Likely benign (0 of 4 stars; one submission).

Conditions:
RHOA-related disorder. Also called: RHOA-related condition.

Allele frequency attached by ClinVar (database versions not stated): TOPMed below 0.00001; gnomAD 0.00001; gnomAD exomes 0.00002; ExAC 0.00004.
gnomAD v4.1: 25 of 1,607,150 alleles (0.0016%); highest among the groups gnomAD compares: South Asian, 0.018%; 1 homozygote.

Submissions (2):

PreventionGenetics, part of Exact Sciences
Classification: Likely benign for RHOA-related condition. Last evaluated: 2022-02-23. Review status: no assertion criteria provided. Collection method: clinical testing. Allele origin: germline.
Comment: This variant is classified as likely benign based on ACMG/AMP sequence variant interpretation guidelines (Richards et al. 2015 PMID: 25741868, with internal and published modifications).

Dr. Peter K. Rogan Lab, Western University
No classification provided (evidence only). Condition: Ovarian serous cystadenocarcinoma. Review status: no classification provided. Collection method: in vitro. Allele origin: not applicable. Functional consequence: retained intron. Not counted in ClinVar's aggregate classification.